The following is an entry in ClinVar:

ClinVar aggregate classification (germline): Uncertain significance (1 of 4 stars; one submission).

Allele frequency attached by ClinVar (database versions not stated): gnomAD exomes 0.00001.
gnomAD v4.1: 7 of 1,614,032 alleles (0.00043%); highest among the groups gnomAD compares: Middle Eastern, 0.016%; no homozygotes.

Submission:

GeneDx
Classification: Uncertain significance. Last evaluated: 2016-12-01. Review status: criteria provided, single submitter. Criteria: GeneDx Variant Classification (06012015). Collection method: clinical testing. Allele origin: germline. Affected: yes.
Comment: A variant of uncertain significance has been identified in the DNAJB2 gene. The R67H variant has not been published as a pathogenic variant, nor has it been reported as a benign variant to our knowledge. The R67H variant is not observed in large population cohorts (Lek et al., 2016; 1000 Genomes Consortium et al., 2015; Exome Variant Server). The R67H variant is a conservative amino acid substitution, which is not likely to impact secondary protein structure as these residues share similar properties. This substitution occurs at a position that is not conserved. However, in silico analysis predicts this variant is probably damaging to the protein structure/function. Therefore, based on the currently available information, it is unclear whether this variant is a pathogenic variant or a rare benign variant.

NM_006736.6(DNAJB2):c.200G>A (p.Arg67His)

Gene: DNAJB2 (DnaJ heat shock protein family (Hsp40) member B2; plus strand). Cytogenetic location: 2q35.
Variant type: single nucleotide variant.
Coding change: c.200G>A on transcript NM_006736.6 (MANE Select); coding-DNA position 200, G replaced by A.
Protein change: p.Arg67His; replaces arginine 67 with histidine.
Molecular consequence: missense variant.
Genome position (GRCh38, 1-based): chr2:219,281,742, G>A. VCF-style: chr2-219281742-G-A. GRCh37 (hg19) VCF-style: chr2-220146464-G-A.
Other names: c.200G>A, p.Arg67His (NM_001039550.2); short protein forms R67H.
Identifiers: ClinVar variation 373691 (VCV000373691.1), dbSNP rs11559157, ClinGen allele CA16042385.